The following is an entry in ClinVar:

ClinVar aggregate classification (germline): Pathogenic/Likely pathogenic. Review status: criteria provided, multiple submitters, no conflicts (2 of 4 stars). 3 submissions from 3 submitters: Pathogenic (1); Likely pathogenic (1). 1 of the submissions does not count toward it. Last evaluated 2023-10-17.

Conditions:
Biotinidase deficiency. Also called: BTD deficiency; Late-onset biotin-responsive multiple carboxylase deficiency; Biotin deficiency. Identifiers: Orphanet 79241, MedGen C0220754, MONDO:0009665, OMIM 253260.

Submissions (3):

Labcorp Genetics (formerly Invitae), Labcorp
Classification: Pathogenic for Biotinidase deficiency. Last evaluated: 2023-10-17. Review status: criteria provided, single submitter. Criteria: Invitae Variant Classification Sherloc (09022015). Collection method: clinical testing. Allele origin: germline.
Comment: This sequence change creates a premature translational stop signal (p.Gln106*) in the BTD gene. It is expected to result in an absent or disrupted protein product. Loss-of-function variants in BTD are known to be pathogenic (PMID: 20083419). This variant is not present in population databases (gnomAD no frequency). This variant has not been reported in the literature in individuals affected with BTD-related conditions. ClinVar contains an entry for this variant (Variation ID: 554090). For these reasons, this variant has been classified as Pathogenic.

Genome-Nilou Lab
Classification: Likely pathogenic for Biotinidase deficiency. Last evaluated: 2021-07-22. Review status: criteria provided, single submitter. Criteria: ACMG Guidelines, 2015. Collection method: clinical testing. Allele origin: germline. Affected: no.

Counsyl
Classification: Likely pathogenic for Biotinidase deficiency. Last evaluated: 2017-09-26. Review status: no assertion criteria provided. Collection method: clinical testing. Allele origin: unknown. Not counted in ClinVar's aggregate classification.

Literature cited by the submitters: PubMed 20083419 (cited by Labcorp Genetics (formerly Invitae), Labcorp).

NM_001370658.1(BTD):c.256C>T (p.Gln86Ter)

Gene: BTD (biotinidase; plus strand). Cytogenetic location: 3p25.1.
Variant type: single nucleotide variant.
Coding change: c.256C>T on transcript NM_001370658.1 (MANE Select); coding-DNA position 256, C replaced by T.
Protein change: p.Gln86Ter; replaces glutamine 86 with a stop codon.
Molecular consequence: nonsense.
Genome position (GRCh38, 1-based): chr3:15,641,914, C>T. VCF-style: chr3-15641914-C-T. GRCh37 (hg19) VCF-style: chr3-15683421-C-T.
Other names: c.256C>T, p.Gln86Ter (NM_001281726.3, NM_001323582.2, NM_001370752.1 and 36 more transcripts); c.316C>T, p.Gln106Ter (NM_000060.4); c.319C>T, p.Gln107Ter (NM_001407381.1); short protein forms Q86*, Q107*.
Identifiers: ClinVar variation 554090 (VCV000554090.9), dbSNP rs1553653062, ClinGen allele CA351605034.